The following is an entry in ClinVar:

NM_017934.7(PHIP):c.4336A>G (p.Arg1446Gly)

Genes: IRAK1BP1 (interleukin 1 receptor associated kinase 1 binding protein 1; plus strand), PHIP (PHIP subunit of CUL4-Ring ligase complex; minus strand). Cytogenetic location: 6q14.1.
Variant type: single nucleotide variant.
Coding change: c.4336A>G on transcript NM_017934.7 (MANE Select); coding-DNA position 4336, A replaced by G.
Protein change: p.Arg1446Gly; replaces arginine 1446 with glycine.
Molecular consequence: missense variant.
Genome position (GRCh38, 1-based): chr6:78,946,745, T>C on the plus strand (A>G on the coding strand, the complement: PHIP is on the minus strand). VCF-style: chr6-78946745-T-C. GRCh37 (hg19) VCF-style: chr6-79656462-T-C.
Other names: c.4336A>G (NM_017934.6); short protein forms R1446G.
Identifiers: ClinVar variation 1976267 (VCV001976267.6), dbSNP rs368000937, ClinGen allele CA3899470.

ClinVar aggregate classification (germline): Likely benign. Review status: criteria provided, single submitter (1 of 4 stars). 2 submissions from 2 submitters: Likely benign (1). 1 of the submissions does not count toward it. Last evaluated 2023-11-06.

Conditions:
PHIP-related disorder. Also called: PHIP-related disorders; PHIP-related condition.

Allele frequency attached by ClinVar (database versions not stated): TOPMed 0.00001; ExAC 0.00002; gnomAD 0.00003; ESP Exome Variant Server 0.00015.
gnomAD v4.1: 6 of 1,589,758 alleles (0.00038%); highest among the groups gnomAD compares: African/African-American, 0.0069%; no homozygotes.

Submissions (2):

Labcorp Genetics (formerly Invitae), Labcorp
Classification: Likely benign. Last evaluated: 2023-11-06. Review status: criteria provided, single submitter. Criteria: Invitae Variant Classification Sherloc (09022015). Collection method: clinical testing. Allele origin: germline.

PreventionGenetics, part of Exact Sciences
Classification: Uncertain significance for PHIP-related condition. Last evaluated: 2024-02-08. Review status: no assertion criteria provided. Collection method: clinical testing. Allele origin: germline. Not counted in ClinVar's aggregate classification.
Comment: The PHIP c.4336A>G variant is predicted to result in the amino acid substitution p.Arg1446Gly. To our knowledge, this variant has not been reported in the literature. This variant is reported in 0.013% of alleles in individuals of African descent in gnomAD. Although we suspect that this variant may be benign, at this time, the clinical significance of this variant is uncertain due to the absence of conclusive functional and genetic evidence.